The following is an entry in ClinVar:

NM_181552.4(CUX1):c.4153G>A (p.Asp1385Asn)

Gene: CUX1 (cut like homeobox 1; plus strand). Cytogenetic location: 7q22.1.
Variant type: single nucleotide variant.
Coding change: c.4153G>A on transcript NM_181552.4 (MANE Select); coding-DNA position 4153, G replaced by A.
Protein change: p.Asp1385Asn; replaces aspartic acid 1385 with asparagine.
Molecular consequence: missense variant. On other transcripts: intron variant (5).
Genome position (GRCh38, 1-based): chr7:102,248,677, G>A. VCF-style: chr7-102248677-G-A. GRCh37 (hg19) VCF-style: chr7-101891957-G-A.
Other names: c.4186G>A, p.Asp1396Asn (NM_001202543.2); c.1256-24689G>A (NM_001913.5); c.1250-24689G>A (NM_181500.4); c.1118-24689G>A (NM_001202545.3); c.1208-24689G>A (NM_001202544.3); c.1139-24689G>A (NM_001202546.3); c.4186G>A (NM_001202543.1); short protein forms D1385N, D1396N.
Identifiers: ClinVar variation 493459 (VCV000493459.46), dbSNP rs1349024125, ClinGen allele CA368669064.

ClinVar aggregate classification (germline): Conflicting classifications of pathogenicity. Review status: criteria provided, conflicting classifications (1 of 4 stars). 3 submissions from 3 submitters: Uncertain significance (2); Likely benign (1). Last evaluated 2026-06-01.

Conditions:
Global developmental delay with or without impaired intellectual development. Identifiers: MedGen C5193032, MONDO:0032680, OMIM 618330.
Inborn genetic diseases. Identifiers: MedGen C0950123, MeSH D030342.

Allele frequency attached by ClinVar (database versions not stated): gnomAD 0.00005 and 0.00006; TOPMed 0.00006; gnomAD exomes 0.00007 and 0.00015.
gnomAD v4.1: 95 of 1,294,206 alleles (0.0073%); highest among the groups gnomAD compares: Middle Eastern, 0.27%; no homozygotes.

Submissions (3):

CeGaT Center for Human Genetics Tuebingen
Classification: Likely benign. Last evaluated: 2026-06-01. Review status: criteria provided, single submitter. Criteria: CeGaT Center For Human Genetics Tuebingen Variant Classification Criteria Version 2. Collection method: clinical testing. Allele origin: germline. Affected: yes. Observed: 4 variant alleles.
Comment: CUX1: PP2, BS1

Ambry Genetics
Classification: Uncertain significance for Inborn genetic diseases. Last evaluated: 2022-06-30. Review status: criteria provided, single submitter. Criteria: Ambry Variant Classification Scheme 2023. Collection method: clinical testing. Allele origin: germline.

Department of Pathology and Laboratory Medicine, Sinai Health System
Classification: Uncertain significance for global developmental delay with or without impaired intellectual development. Last evaluated: 2021-09-09. Review status: criteria provided, single submitter. Criteria: ACMG Guidelines, 2015. Collection method: research. Allele origin: germline.